The following is an entry in ClinVar:

NM_145725.3(TRAF3):c.1033G>T (p.Glu345Ter)

Gene: TRAF3 (TNF receptor associated factor 3; plus strand). Cytogenetic location: 14q32.32.
Variant type: single nucleotide variant.
Coding change: c.1033G>T on transcript NM_145725.3 (MANE Select); coding-DNA position 1033, G replaced by T.
Protein change: p.Glu345Ter; replaces glutamic acid 345 with a stop codon.
Molecular consequence: nonsense.
Genome position (GRCh38, 1-based): chr14:102,903,327, G>T. VCF-style: chr14-102903327-G-T. GRCh37 (hg19) VCF-style: chr14-103369664-G-T.
Other names: c.784G>T, p.Glu262Ter (NM_001199427.2); c.892G>T, p.Glu298Ter (NM_001385142.1); c.952G>T, p.Glu318Ter (NM_001385143.1); c.1033G>T, p.Glu345Ter (NM_003300.4); c.958G>T, p.Glu320Ter (NM_145726.3); short protein forms E262*, E320*, E318*, E345*, E298*.
Identifiers: ClinVar variation 2754102 (VCV002754102.3), dbSNP rs775500221, ClinGen allele CA391074530.

ClinVar aggregate classification (germline): Uncertain significance (1 of 4 stars; one submission).

Conditions:
Immunodeficiency 132A. Also called: Herpes simplex encephalitis, susceptibility to, 3. Identifiers: Orphanet 1930, MedGen C3553868, MONDO:0013920, OMIM 614849.

Submission:

Labcorp Genetics (formerly Invitae), Labcorp
Classification: Uncertain significance for Immunodeficiency 132A. Last evaluated: 2023-08-19. Review status: criteria provided, single submitter. Criteria: Invitae Variant Classification Sherloc (09022015). Collection method: clinical testing. Allele origin: germline.
Comment: In summary, the available evidence is currently insufficient to determine the role of this variant in disease. Therefore, it has been classified as a Variant of Uncertain Significance. This variant has not been reported in the literature in individuals affected with TRAF3-related conditions. This variant is not present in population databases (gnomAD no frequency). This sequence change creates a premature translational stop signal (p.Glu345*) in the TRAF3 gene. It is expected to result in an absent or disrupted protein product. However, the current clinical and genetic evidence is not sufficient to establish whether loss-of-function variants in TRAF3 cause disease.